The following is an entry in ClinVar:

NM_015488.5(PNKD):c.532A>C (p.Ser178Arg)

Genes: CATIP-AS2 (CATIP antisense RNA 2; minus strand), PNKD (PNKD metallo-beta-lactamase domain containing; plus strand). Cytogenetic location: 2q35.
Variant type: single nucleotide variant.
Coding change: c.532A>C on transcript NM_015488.5 (MANE Select); coding-DNA position 532, A replaced by C.
Protein change: p.Ser178Arg; replaces serine 178 with arginine.
Molecular consequence: missense variant.
Genome position (GRCh38, 1-based): chr2:218,341,541, A>C. VCF-style: chr2-218341541-A-C. GRCh37 (hg19) VCF-style: chr2-219206264-A-C.
Other names: c.460A>C, p.Ser154Arg (NM_022572.5); short protein forms S154R, S178R.
Identifiers: ClinVar variation 2157526 (VCV002157526.28), dbSNP rs777086893, ClinGen allele CA65759486.
Genomic context (GRCh38, chr2:218,341,541, plus strand): 5'-GCTTAGGTACAGTTGCCCCTCGAAGCCCCCTGCCTGTCTCTGCTGTCCTGCAGGGACCAC[A>C]GTGGAGGGAACCGTGACCTCAGCCGGCGGCACCGGGACTGTCGGGTGTACGGGAGCCCTC-3'
Protein context (NP_056303.3, residues 168-188): ILCTHKHWDH[Ser178Arg]GGNRDLSRRH

ClinVar aggregate classification (germline): Uncertain significance. Review status: criteria provided, multiple submitters, no conflicts (2 of 4 stars). 2 submissions from 2 submitters: Uncertain significance (2). Last evaluated 2023-07-01.

Conditions:
Paroxysmal nonkinesigenic dyskinesia. Also called: Paroxysmal non-kinesigenic dyskinesia. Identifiers: Orphanet 98810, MedGen C1869117, MONDO:0700088.

Allele frequency attached by ClinVar (database versions not stated): gnomAD 0.00001; gnomAD exomes 0.00002; TOPMed 0.00002.
gnomAD v4.1: 28 of 1,598,240 alleles (0.0018%); highest among the groups gnomAD compares: Non-Finnish European, 0.0023%; no homozygotes.

Submissions (2):

CeGaT Center for Human Genetics Tuebingen
Classification: Uncertain significance. Last evaluated: 2023-07-01. Review status: criteria provided, single submitter. Criteria: CeGaT Center For Human Genetics Tuebingen Variant Classification Criteria Version 2. Collection method: clinical testing. Allele origin: germline. Affected: yes. Observed: 1 variant allele.
Comment: PNKD: PP3

Labcorp Genetics (formerly Invitae), Labcorp
Classification: Uncertain significance for Paroxysmal nonkinesigenic dyskinesia. Last evaluated: 2022-06-28. Review status: criteria provided, single submitter. Criteria: Invitae Variant Classification Sherloc (09022015). Collection method: clinical testing. Allele origin: germline.
Comment: In summary, the available evidence is currently insufficient to determine the role of this variant in disease. Therefore, it has been classified as a Variant of Uncertain Significance. Algorithms developed to predict the effect of missense changes on protein structure and function are either unavailable or do not agree on the potential impact of this missense change (SIFT: "Deleterious"; PolyPhen-2: "Possibly Damaging"; Align-GVGD: "Class C0"). This variant has not been reported in the literature in individuals affected with PNKD-related conditions. This variant is present in population databases (rs777086893, gnomAD 0.007%). This sequence change replaces serine, which is neutral and polar, with arginine, which is basic and polar, at codon 178 of the PNKD protein (p.Ser178Arg).